The following is an entry in ClinVar:

ClinVar aggregate classification (germline): Likely benign. Review status: criteria provided, multiple submitters, no conflicts (2 of 4 stars). 3 submissions from 3 submitters: Likely benign (3). Last evaluated 2026-05-26.

Conditions:
Cardiovascular phenotype. Identifiers: MedGen CN230736.
ALPK3-related disorder. Also called: ALPK3-related condition.

Allele frequency attached by ClinVar (database versions not stated): gnomAD 0.00002.

Submissions (3):

PreventionGenetics, part of Exact Sciences
Classification: Likely benign for ALPK3-related condition. Last evaluated: 2026-05-26. Review status: criteria provided, single submitter. Criteria: ACMG Guidelines, 2015. Collection method: clinical testing. Allele origin: germline.
Comment: This variant is classified as likely benign based on ACMG/AMP sequence variant interpretation guidelines (Richards et al. 2015 PMID: 25741868, with internal and published modifications).

Labcorp Genetics (formerly Invitae), Labcorp
Classification: Likely benign. Last evaluated: 2025-11-21. Review status: criteria provided, single submitter. Criteria: Invitae Variant Classification Sherloc (09022015). Collection method: clinical testing. Allele origin: germline.

Ambry Genetics
Classification: Likely benign for Cardiovascular phenotype. Last evaluated: 2021-02-13. Review status: criteria provided, single submitter. Criteria: Ambry Variant Classification Scheme 2023. Collection method: clinical testing. Allele origin: germline.

NM_020778.5(ALPK3):c.36C>A (p.Gly12=)

Gene: ALPK3 (alpha kinase 3; plus strand). Cytogenetic location: 15q25.3.
Variant type: single nucleotide variant.
Coding change: c.36C>A on transcript NM_020778.5 (MANE Select); coding-DNA position 36, C replaced by A.
Protein change: p.Gly12=; no amino-acid change (glycine 12 retained).
Molecular consequence: synonymous variant.
Genome position (GRCh38, 1-based): chr15:84,817,488, C>A. VCF-style: chr15-84817488-C-A. GRCh37 (hg19) VCF-style: chr15-85360719-C-A.
Identifiers: ClinVar variation 1753469 (VCV001753469.8), dbSNP rs1362712975, ClinGen allele CA492276876.